The following is an entry in ClinVar:

NM_022124.6(CDH23):c.8891T>C (p.Ile2964Thr)

Gene: CDH23 (cadherin related 23; plus strand). Cytogenetic location: 10q22.1.
Variant type: single nucleotide variant.
Coding change: c.8891T>C on transcript NM_022124.6 (MANE Select); coding-DNA position 8891, T replaced by C.
Protein change: p.Ile2964Thr; replaces isoleucine 2964 with threonine.
Molecular consequence: missense variant.
Genome position (GRCh38, 1-based): chr10:71,809,988, T>C. VCF-style: chr10-71809988-T-C. GRCh37 (hg19) VCF-style: chr10-73569745-T-C.
Other names: c.2171T>C, p.Ile724Thr (NM_001171933.1, NM_001171934.1); short protein forms I2964T, I724T.
Identifiers: ClinVar variation 2573608 (VCV002573608.2), dbSNP rs2494444850, ClinGen allele CA377133715.

ClinVar aggregate classification (germline): Uncertain significance. Review status: criteria provided, multiple submitters, no conflicts (2 of 4 stars). 2 submissions from 2 submitters: Uncertain significance (2). Last evaluated 2024-10-17.

Allele frequency attached by ClinVar (database versions not stated): gnomAD exomes 0.00001.
gnomAD v4.1: 3 of 1,612,168 alleles (0.00019%); highest among the groups gnomAD compares: Non-Finnish European, 0.00025%; no homozygotes.

Submissions (2):

Blueprint Genetics
Classification: Uncertain significance. Last evaluated: 2024-10-17. Review status: criteria provided, single submitter. Criteria: ACMG Guidelines, 2015. Collection method: clinical testing. Allele origin: germline.

Women's Health and Genetics/Laboratory Corporation of America, LabCorp
Classification: Uncertain significance. Last evaluated: 2023-06-22. Review status: criteria provided, single submitter. Criteria: LabCorp Variant Classification Summary - May 2015. Collection method: clinical testing. Allele origin: germline.
Comment: Variant summary: CDH23 c.8891T>C (p.Ile2964Thr) results in a non-conservative amino acid change in the encoded protein sequence. Three of five in-silico tools predict a damaging effect of the variant on protein function. The variant was absent in 246876 control chromosomes. The available data on variant occurrences in the general population are insufficient to allow any conclusion about variant significance. c.8891T>C has been reported in the literature in at least one compound heterozygous individual affected with non-syndromic hearing loss (Shearer_2013). These report(s) do not provide unequivocal conclusions about association of the variant with Usher Syndrome. To our knowledge, no experimental evidence demonstrating an impact on protein function has been reported. The following publication has been ascertained in the context of this evaluation (PMID: 23804846). No submitters have cited clinical-significance assessments for this variant to ClinVar after 2014. Based on the evidence outlined above, the variant was classified as uncertain significance.

Literature cited by the submitters: PubMed 23804846 (cited by Women's Health and Genetics/Laboratory Corporation of America, LabCorp).